The following is an entry in ClinVar:

NM_001134363.3(RBM20):c.247C>A (p.Leu83Ile)

Gene: RBM20 (RNA binding motif protein 20; plus strand). Cytogenetic location: 10q25.2.
Variant type: single nucleotide variant.
Coding change: c.247C>A on transcript NM_001134363.3 (MANE Select); coding-DNA position 247, C replaced by A.
Protein change: p.Leu83Ile; replaces leucine 83 with isoleucine.
Molecular consequence: missense variant.
Genome position (GRCh38, 1-based): chr10:110,780,856, C>A. VCF-style: chr10-110780856-C-A. GRCh37 (hg19) VCF-style: chr10-112540614-C-A.
Other names: short protein forms L83I.
Identifiers: ClinVar variation 238548 (VCV000238548.14), dbSNP rs536357058, ClinGen allele CA10582699.
Genomic context (GRCh38, chr10:110,780,856, plus strand): 5'-CACAGTGCCGCCAAGCTCCTGGACAAGAACCCATTCTCGGTCAGTAACCCGAACCCTCTG[C>A]TTCCTTCACCTGCCAGTCTCCAGCTGGCTCAACTGCAGGCCCAGCTCACCCTCCACCGGC-3'
Protein context (NP_001127835.2, residues 73-93): PFSVSNPNPL[Leu83Ile]PSPASLQLAQ

ClinVar aggregate classification (germline): Conflicting classifications of pathogenicity. Review status: criteria provided, conflicting classifications (1 of 4 stars). 2 submissions from 2 submitters: Uncertain significance (1); Likely benign (1). Last evaluated 2026-02-03.

Conditions:
Cardiovascular phenotype. Identifiers: MedGen CN230736.
Dilated cardiomyopathy 1DD (CMD1DD). Identifiers: Orphanet 154, MedGen C2750995, MONDO:0013168, OMIM 613172.

Allele frequency attached by ClinVar (database versions not stated): gnomAD exomes below 0.00001 and 0.00001; gnomAD 0.00004 and 0.00005; TOPMed 0.00006; 1000 Genomes Project 30x 0.00016; 1000 Genomes Project 0.00020.
gnomAD v4.1: 13 of 1,548,890 alleles (0.00084%); highest among the groups gnomAD compares: African/African-American, 0.015%; no homozygotes.

Submissions (2):

Labcorp Genetics (formerly Invitae), Labcorp
Classification: Likely benign for Dilated cardiomyopathy 1DD. Last evaluated: 2026-02-03. Review status: criteria provided, single submitter. Criteria: Invitae Variant Classification Sherloc (09022015). Collection method: clinical testing. Allele origin: germline.

Ambry Genetics
Classification: Uncertain significance for Cardiovascular phenotype. Last evaluated: 2024-09-05. Review status: criteria provided, single submitter. Criteria: Ambry Variant Classification Scheme 2023. Collection method: clinical testing. Allele origin: germline.
Comment: The p.L83I variant (also known as c.247C>A), located in coding exon 2 of the RBM20 gene, results from a C to A substitution at nucleotide position 247. The leucine at codon 83 is replaced by isoleucine, an amino acid with highly similar properties. This variant was reported in one individual from a dilated cardiomyopathy (DCM) cohort; however, clinical details were limited (Refaat MM et al. Heart Rhythm, 2012 Mar;9:390-6). This amino acid position is highly conserved in available vertebrate species. In addition, this alteration is predicted to be deleterious by in silico analysis. Since supporting evidence is limited at this time, the clinical significance of this alteration remains unclear.

Literature cited by the submitters: PubMed 22004663 (cited by Ambry Genetics).